The following is an entry in ClinVar:

ClinVar aggregate classification (germline): Likely pathogenic. Review status: criteria provided, multiple submitters, no conflicts (2 of 4 stars). 2 submissions from 2 submitters: Likely pathogenic (2). Last evaluated 2024-04-23.

Conditions:
Walker-Warburg congenital muscular dystrophy. Also called: Muscular dystrophy-dystroglycanopathy, type A; Walker-Warburg syndrome. Identifiers: Orphanet 899, MedGen C0265221, MONDO:0000171.
Dilated cardiomyopathy 1X (CMD1X). Also called: FKTN-Related Dilated Cardiomyopathy; CARDIOMYOPATHY, DILATED, WITH MILD OR NO PROXIMAL MUSCLE WEAKNESS. Identifiers: Orphanet 154, MedGen C1969024, MONDO:0012704, OMIM 611615.

Submissions (2):

Natera, Inc.
Classification: Likely pathogenic for Walker-Warburg congenital muscular dystrophy. Last evaluated: 2024-04-23. Review status: criteria provided, single submitter. Criteria: Natera Variant Classification Schema (03/2026). Collection method: clinical testing. Allele origin: germline.
Comment: The c.914_925delGGTATCGACAATinsTATTCCTAATA variant in FKTN is a frameshift variant predicted to shift the reading frame beginning at codon 305 and leads to a stop codon 16 codons downstream. This variant is expected to result in nonsense mediated decay, truncation, or a dysfunctional protein product. This variant is rare in the general population with a frequency below the threshold expected for the associated phenotype(s). Given the available evidence, this variant is classified as Likely Pathogenic.

Baylor Genetics
Classification: Likely pathogenic for Dilated cardiomyopathy 1X. Last evaluated: 2022-08-22. Review status: criteria provided, single submitter. Criteria: ACMG Guidelines, 2015. Collection method: clinical testing. Allele origin: unknown.

NM_001079802.2(FKTN):c.914_925delinsTATTCCTAATA (p.Trp305fs)

Gene: FKTN (fukutin; plus strand). Cytogenetic location: 9q31.2.
Variant type: Indel.
Coding change: c.914_925delinsTATTCCTAATA on transcript NM_001079802.2 (MANE Select); coding-DNA positions 914 to 925, GGTATCGACAAT replaced by TATTCCTAATA.
Protein change: p.Trp305fs; shifts the reading frame from tryptophan 305.
Molecular consequence: frameshift variant. On other transcripts: non-coding transcript variant (1).
Genome position (GRCh38, 1-based): chr9:105,617,962-105,617,973, GGTATCGACAAT replaced by TATTCCTAATA. VCF-style: chr9-105617962-GGTATCGACAAT-TATTCCTAATA. GRCh37 (hg19) VCF-style: chr9-108380243-GGTATCGACAAT-TATTCCTAATA.
Other names: c.914_925delinsTATTCCTAATA, p.Trp305fs (NM_001198963.2, NM_001351496.2, NM_001351498.2 and 1 more transcripts); c.845_856delinsTATTCCTAATA, p.Trp282fs (NM_001351497.2); c.518_529delinsTATTCCTAATA, p.Trp173fs (NM_001351499.2, NM_001351500.2, NM_001351501.2 and 1 more transcripts); short protein forms W173fs, W282fs, W305fs.
Identifiers: ClinVar variation 2675733 (VCV002675733.2), dbSNP rs2539708429, ClinGen allele CA2695199399.
Genomic context (GRCh38, chr9:105,617,962, plus strand): 5'-AATAACTAATTTTTTCCAAACCTAAATTTTGTTAAAAAAATTTAATCTTCTTTTTAGGAT[GGTATCGACAAT>TATTCCTAATA]GCAACATTATTCCTTATAGCAAAGATGTTGACCTAGGAATTTTTATACAAGATTACAAAT-3'